The following is an entry in ClinVar:

NM_003227.4(TFR2):c.63del (p.Val22fs)

Gene: TFR2 (transferrin receptor 2; minus strand). Cytogenetic location: 7q22.1.
Variant type: Deletion.
Coding change: c.63del on transcript NM_003227.4 (MANE Select); coding-DNA position 63, one base deleted (C; older notation c.63delC).
Protein change: p.Val22fs; shifts the reading frame from valine 22.
Molecular consequence: frameshift variant.
Genome position (GRCh38, 1-based): chr7:100,641,199, G deleted on the plus strand (C on the coding strand, the reverse complement: TFR2 is on the minus strand); the first of 2 consecutive G bases (chr7:100,641,199-100,641,200); deleting either gives the same sequence. VCF-style (leftmost placement, unchanged base first): chr7-100641198-CG-C. GRCh37 (hg19) VCF-style: chr7-100238821-CG-C.
Other names: short protein forms V22fs.
Identifiers: ClinVar variation 1370639 (VCV001370639.6), dbSNP rs2131327975, ClinGen allele CA2573141359.

ClinVar aggregate classification (germline): Pathogenic (1 of 4 stars; one submission).

Conditions:
Hereditary hemochromatosis (HFE). Identifiers: MedGen C0392514, MONDO:0006507. Disease mechanism: loss of function.

Submission:

Labcorp Genetics (formerly Invitae), Labcorp
Classification: Pathogenic for Hereditary hemochromatosis. Last evaluated: 2021-05-12. Review status: criteria provided, single submitter. Criteria: Invitae Variant Classification Sherloc (09022015). Collection method: clinical testing. Allele origin: germline.
Comment: This sequence change creates a premature translational stop signal (p.Val22Serfs*35) in the TFR2 gene. It is expected to result in an absent or disrupted protein product. Loss-of-function variants in TFR2 are known to be pathogenic (PMID: 23600741, 26029709). The frequency data for this variant in the population databases is considered unreliable, as metrics indicate insufficient coverage at this position in the ExAC database. This variant has not been reported in the literature in individuals with TFR2-related conditions. For these reasons, this variant has been classified as Pathogenic.

Literature cited by the submitters: PubMed 23600741; PubMed 26029709.